The following is an entry in ClinVar:

NM_004006.3(DMD):c.4676T>G (p.Val1559Gly)

Gene: DMD (dystrophin; minus strand). Cytogenetic location: Xp21.1.
Variant type: single nucleotide variant.
Coding change: c.4676T>G on transcript NM_004006.3 (MANE Select); coding-DNA position 4676, T replaced by G.
Protein change: p.Val1559Gly; replaces valine 1559 with glycine.
Molecular consequence: missense variant.
Genome position (GRCh38, 1-based): chrX:32,380,679, A>C on the plus strand (T>G on the coding strand, the complement: DMD is on the minus strand). VCF-style: chrX-32380679-A-C. GRCh37 (hg19) VCF-style: chrX-32398796-A-C.
Other names: c.4652T>G, p.Val1551Gly (NM_000109.4); c.4664T>G, p.Val1555Gly (NM_004009.3); c.4307T>G, p.Val1436Gly (NM_004010.3); c.653T>G, p.Val218Gly (NM_004011.4); c.644T>G, p.Val215Gly (NM_004012.4); short protein forms V1436G, V1551G, V1555G, V1559G, V215G, V218G.
Identifiers: ClinVar variation 4890808 (VCV004890808.1).
Genomic context (GRCh38, chrX:32,380,679, plus strand): 5'-TCCTTTCGCATCTTACGGGACAATTTCAAGCATTTCTCCAACTGTTGCTTTCTTTCTGTT[A>C]CCTGAAAAGAATTATAATGAAATGTAATTTAGTTTACTCTTTAATTCAAATTTCGTTATA-3'
Protein context (NP_003997.2, residues 1549-1569): KLHYNELGAK[Val1559Gly]TERKQQLEKC

ClinVar aggregate classification (germline): Uncertain significance (1 of 4 stars; one submission).

Conditions:
Duchenne muscular dystrophy (DMD). Also called: MUSCULAR DYSTROPHY, PSEUDOHYPERTROPHIC PROGRESSIVE, DUCHENNE TYPE; Duchenne Muscular Dystrophy (DMD). Identifiers: Orphanet 98896, MedGen C0013264, MONDO:0010679, OMIM 310200.

Submission:

Helix
Classification: Uncertain significance for Duchenne muscular dystrophy. Last evaluated: 2025-09-17. Review status: criteria provided, single submitter. Criteria: ACMG Guidelines, 2015. Collection method: clinical testing. Allele origin: germline. Inheritance: X-linked inheritance.
Comment: This variant (NM_004006.3:c.4676T>G p.Val1559Gly) results in the substitution of valine with glycine at codon 1559 in the DMD protein. It is a rare variant that is absent from the large gnomAD population database (v4.1). To our knowledge, this variant has not been reported in individuals with DMD-related conditions in the published literature. In silico prediction from REVEL (PMID: 27666373) is indeterminate. In conclusion, since the available evidence is limited, the clinical significance of this variant is unclear at this time. Therefore, it is classified as a Variant of Uncertain Significance.